The following is an entry in ClinVar:

NM_001080517.3(SETD5):c.31A>G (p.Thr11Ala)

Gene: SETD5 (SET domain containing 5; plus strand). Cytogenetic location: 3p25.3.
Variant type: single nucleotide variant.
Coding change: c.31A>G on transcript NM_001080517.3 (MANE Select); coding-DNA position 31, A replaced by G.
Protein change: p.Thr11Ala; replaces threonine 11 with alanine.
Molecular consequence: missense variant. On other transcripts: 5 prime UTR variant (2).
Genome position (GRCh38, 1-based): chr3:9,428,969, A>G. VCF-style: chr3-9428969-A-G. GRCh37 (hg19) VCF-style: chr3-9470653-A-G.
Other names: c.-528A>G (NM_001292043.2); c.-569A>G (NM_001349451.2); short protein forms T11A.
Identifiers: ClinVar variation 2795619 (VCV002795619.3), dbSNP rs2039637478, ClinGen allele CA351679038.
Genomic context (GRCh38, chr3:9,428,969, plus strand): 5'-TGATTTCCAATCTCTGCTGTGTTGGACGTCATGAGCATTGCAATCCCTCTGGGAGTCACC[A>G]CATCAGATACATCCTACTCAGATATGGCTGCTGGATCAGAGTAAGTGCTACTTTCTAGGT-3'
Protein context (NP_001073986.1, residues 1-21): MSIAIPLGVT[Thr11Ala]SDTSYSDMAA

ClinVar aggregate classification (germline): Uncertain significance (1 of 4 stars; one submission).

Allele frequency attached by ClinVar (database versions not stated): gnomAD exomes below 0.00001; TOPMed 0.00001.
gnomAD v4.1: 4 of 1,613,310 alleles (0.00025%); highest among the groups gnomAD compares: Admixed American, 0.005%; no homozygotes.

Submission:

Labcorp Genetics (formerly Invitae), Labcorp
Classification: Uncertain significance. Last evaluated: 2024-03-21. Review status: criteria provided, single submitter. Criteria: Invitae Variant Classification Sherloc (09022015). Collection method: clinical testing. Allele origin: germline.
Comment: This sequence change replaces threonine, which is neutral and polar, with alanine, which is neutral and non-polar, at codon 11 of the SETD5 protein (p.Thr11Ala). This variant is not present in population databases (gnomAD no frequency). This variant has not been reported in the literature in individuals affected with SETD5-related conditions. Advanced modeling of protein sequence and biophysical properties (such as structural, functional, and spatial information, amino acid conservation, physicochemical variation, residue mobility, and thermodynamic stability) has been performed at Invitae for this missense variant, however the output from this modeling did not meet the statistical confidence thresholds required to predict the impact of this variant on SETD5 protein function. In summary, the available evidence is currently insufficient to determine the role of this variant in disease. Therefore, it has been classified as a Variant of Uncertain Significance.